The following is an entry in ClinVar:

NM_001244008.2(KIF1A):c.4778C>A (p.Pro1593Gln)

Gene: KIF1A (kinesin family member 1A; minus strand). Cytogenetic location: 2q37.3.
Variant type: single nucleotide variant.
Coding change: c.4778C>A on transcript NM_001244008.2 (MANE Select); coding-DNA position 4778, C replaced by A.
Protein change: p.Pro1593Gln; replaces proline 1593 with glutamine.
Molecular consequence: missense variant.
Genome position (GRCh38, 1-based): chr2:240,721,004, G>T on the plus strand (C>A on the coding strand, the complement: KIF1A is on the minus strand). VCF-style: chr2-240721004-G-T. GRCh37 (hg19) VCF-style: chr2-241660421-G-T.
Other names: c.4502C>A, p.Pro1501Gln (NM_001320705.2, NM_001379649.1); c.4529C>A, p.Pro1510Gln (NM_001330289.2); c.4577C>A, p.Pro1526Gln (NM_001330290.2, NM_001379648.1); c.4853C>A, p.Pro1618Gln (NM_001379631.1); c.4754C>A, p.Pro1585Gln (NM_001379632.1); c.4751C>A, p.Pro1584Gln (NM_001379633.1, NM_001379645.1); c.4604C>A, p.Pro1535Gln (NM_001379634.1); c.4601C>A, p.Pro1534Gln (NM_001379635.1, NM_001379646.1); and 7 more; short protein forms P1491Q, P1492Q, P1500Q, P1501Q, P1509Q, P1510Q, P1517Q, P1526Q.
Identifiers: ClinVar variation 1698533 (VCV001698533.1), dbSNP rs200902828, ClinGen allele CA351301908.

ClinVar aggregate classification (germline): Uncertain significance (1 of 4 stars; one submission).

Submission:

Women's Health and Genetics/Laboratory Corporation of America, LabCorp
Classification: Uncertain significance. Last evaluated: 2022-06-01. Review status: criteria provided, single submitter. Criteria: LabCorp Variant Classification Summary - May 2015. Collection method: clinical testing. Allele origin: germline.
Comment: Variant summary: KIF1A c.4475C>A (p.Pro1492Gln) results in a non-conservative amino acid change in the encoded protein sequence. Three of five in-silico tools predict a damaging effect of the variant on protein function. The variant was absent in 243116 control chromosomes (gnomAD). The available data on variant occurrences in the general population are insufficient to allow any conclusion about variant significance. To our knowledge, no occurrence of c.4475C>A in individuals affected with NESCAV Syndrome and no experimental evidence demonstrating its impact on protein function have been reported. No clinical diagnostic laboratories have submitted clinical-significance assessments for this variant to ClinVar after 2014. Based on the evidence outlined above, the variant was classified as uncertain significance.